The following is an entry in ClinVar:

ClinVar aggregate classification (germline): Uncertain significance (1 of 4 stars; one submission).

Conditions:
Mandibulofacial dysostosis-microcephaly syndrome (MFDGA). Also called: Mandibulofacial dysostosis, Guion-Almeida type; Growth and mental retardation, mandibulofacial dysostosis, microcephaly, and cleft palate. Identifiers: Orphanet 79113, MedGen C1864652, MONDO:0012516, OMIM 610536.

Submission:

Centre for Mendelian Genomics, University Medical Centre Ljubljana
Classification: Uncertain significance for Mandibulofacial dysostosis-microcephaly syndrome. Last evaluated: 2020-01-28. Review status: criteria provided, single submitter. Criteria: ACMG Guidelines, 2015. Collection method: clinical testing. Allele origin: unknown. Affected: yes.
Comment: This variant was classified as: Uncertain significance. The available evidence on this variant's pathogenicity is insufficient or conflicting. The following ACMG criteria were applied in classifying this variant: PM2.

NM_004247.4(EFTUD2):c.1861-9_1861-7del

Gene: EFTUD2 (elongation factor Tu GTP binding domain containing 2; minus strand). Cytogenetic location: 17q21.31.
Variant type: Deletion.
Coding change: c.1861-9_1861-7del on transcript NM_004247.4 (MANE Select); 9 bases into the intron before coding-DNA position 1861 through 7 bases into the intron before coding-DNA position 1861, 3 bases deleted (GTG; older notation c.1861-9_1861-7delGTG).
Molecular consequence: intron variant.
Genome position (GRCh38, 1-based): chr17:44,859,188-44,859,190, CAC deleted on the plus strand (GTG on the coding strand, the reverse complement: EFTUD2 is on the minus strand). VCF-style (leftmost placement, unchanged base first): chr17-44859187-ACAC-A. GRCh37 (hg19) VCF-style: chr17-42936555-ACAC-A.
Other names: c.1756-9_1756-7del (NM_001142605.2); c.1831-9_1831-7del (NM_001258354.2); c.1861-9_1861-7del (NM_001258353.2); c.1861-9_1861-7delGTG (NM_001258353.1).
Identifiers: ClinVar variation 930897 (VCV000930897.3), dbSNP rs2050611350, ClinGen allele CA1139665641.